The following is an entry in ClinVar:

ClinVar aggregate classification (germline): Uncertain significance (1 of 4 stars; one submission).

Conditions:
Radial aplasia-thrombocytopenia syndrome (TAR). Also called: TAR syndrome; Thrombocytopenia Absent Radius Syndrome. Identifiers: Orphanet 3320, MedGen C0175703, MeSH C536940, MONDO:0010121, OMIM 274000.

gnomAD v4.1: 1 of 1,614,122 alleles (0.000062%); highest among the groups gnomAD compares: Non-Finnish European, 0.000085%; no homozygotes.

Submission:

Labcorp Genetics (formerly Invitae), Labcorp
Classification: Uncertain significance for Radial aplasia-thrombocytopenia syndrome. Last evaluated: 2025-06-04. Review status: criteria provided, single submitter. Criteria: Invitae Variant Classification Sherloc (09022015). Collection method: clinical testing. Allele origin: germline.
Comment: This sequence change replaces arginine, which is basic and polar, with tryptophan, which is neutral and slightly polar, at codon 152 of the RBM8A protein (p.Arg152Trp). This variant is present in population databases (no rsID available, gnomAD 0.0009%). This variant has not been reported in the literature in individuals affected with RBM8A-related conditions. An algorithm developed to predict the effect of missense changes on protein structure and function outputs the following: PolyPhen-2: "Not Available". The tryptophan amino acid residue is found in multiple mammalian species, which suggests that this missense change does not adversely affect protein function. In summary, the available evidence is currently insufficient to determine the role of this variant in disease. Therefore, it has been classified as a Variant of Uncertain Significance.

NM_005105.5(RBM8A):c.454C>T (p.Arg152Trp)

Gene: RBM8A (RNA binding motif protein 8A; minus strand). Cytogenetic location: 1q21.1.
Variant type: single nucleotide variant.
Coding change: c.454C>T on transcript NM_005105.5 (MANE Select); coding-DNA position 454, C replaced by T.
Protein change: p.Arg152Trp; replaces arginine 152 with tryptophan.
Molecular consequence: missense variant.
Genome position (GRCh38, 1-based): chr1:145,926,066, G>A on the plus strand (C>T on the coding strand, the complement: RBM8A is on the minus strand). VCF-style: chr1-145926066-G-A. GRCh37 (hg19) VCF-style: chr1-145509027-C-T.
Other names: short protein forms R152W.
Identifiers: ClinVar variation 4699378 (VCV004699378.1).